The following is an entry in ClinVar:

NM_004380.3(CREBBP):c.2126C>G (p.Ser709Cys)

Gene: CREBBP (CREB binding lysine acetyltransferase; minus strand). Cytogenetic location: 16p13.3.
Variant type: single nucleotide variant.
Coding change: c.2126C>G on transcript NM_004380.3 (MANE Select); coding-DNA position 2126, C replaced by G.
Protein change: p.Ser709Cys; replaces serine 709 with cysteine.
Molecular consequence: missense variant.
Genome position (GRCh38, 1-based): chr16:3,777,645, G>C on the plus strand (C>G on the coding strand, the complement: CREBBP is on the minus strand). VCF-style: chr16-3777645-G-C. GRCh37 (hg19) VCF-style: chr16-3827646-G-C.
Other names: c.2012C>G, p.Ser671Cys (NM_001079846.1); short protein forms S671C, S709C.
Identifiers: ClinVar variation 3343483 (VCV003343483.2).

ClinVar aggregate classification (germline): Uncertain significance (1 of 4 stars; one submission).

Submission:

GeneDx
Classification: Uncertain significance. Last evaluated: 2025-07-15. Review status: criteria provided, single submitter. Criteria: GeneDx Variant Classification Process June 2021. Collection method: clinical testing. Allele origin: germline.
Comment: Not observed at significant frequency in large population cohorts (gnomAD); In silico analysis supports that this missense variant has a deleterious effect on protein structure/function; Has not been previously published as pathogenic or benign to our knowledge